The following is an entry in ClinVar:

NM_001130438.3(SPTAN1):c.3604G>A (p.Val1202Met)

Gene: SPTAN1 (spectrin alpha, non-erythrocytic 1; plus strand). Cytogenetic location: 9q34.11.
Variant type: single nucleotide variant.
Coding change: c.3604G>A on transcript NM_001130438.3 (MANE Select); coding-DNA position 3604, G replaced by A.
Protein change: p.Val1202Met; replaces valine 1202 with methionine.
Molecular consequence: missense variant.
Genome position (GRCh38, 1-based): chr9:128,603,567, G>A. VCF-style: chr9-128603567-G-A. GRCh37 (hg19) VCF-style: chr9-131365846-G-A.
Other names: c.3544G>A, p.Val1182Met (NM_001195532.2, NM_001363765.2); c.3604G>A, p.Val1202Met (NM_001363759.2, NM_003127.4); short protein forms V1202M, V1182M.
Identifiers: ClinVar variation 461221 (VCV000461221.34), dbSNP rs1312920158, ClinGen allele CA375062923.

ClinVar aggregate classification (germline): Uncertain significance. Review status: criteria provided, multiple submitters, no conflicts (2 of 4 stars). 3 submissions from 3 submitters: Uncertain significance (3). Last evaluated 2026-05-11.

Conditions:
Early-infantile DEE. Also called: Early infantile epileptic encephalopathy; Ohtahara syndrome; Early infantile epileptic encephalopathy with suppression bursts. Identifiers: Orphanet 1934, MedGen C0393706, MONDO:0800491.
SPTAN1-related disorder. Also called: SPTAN1-related disorders; SPTAN1-related condition.

Allele frequency attached by ClinVar (database versions not stated): gnomAD exomes below 0.00001 and 0.00001; TOPMed below 0.00001; gnomAD 0.00001.
gnomAD v4.1: 15 of 1,614,154 alleles (0.00093%); highest among the groups gnomAD compares: South Asian, 0.0011%; no homozygotes.

Submissions (3):

PreventionGenetics, part of Exact Sciences
Classification: Uncertain significance for SPTAN1-related condition. Last evaluated: 2026-05-11. Review status: criteria provided, single submitter. Criteria: ACMG Guidelines, 2015. Collection method: clinical testing. Allele origin: germline.
Comment: The SPTAN1 c.3604G>A variant is predicted to result in the amino acid substitution p.Val1202Met. This variant was reported in patients with cerebellar vermis hypoplasia, polymicrogyria, dysplastic corpus callosum and colpocephaly (Shieh et al. 2021. PubMed ID: 34556655; Zhou et al. 2022. PubMed ID: 35982159) and it occurred de novo in the patient (Shieh et al. 2021. PubMed ID: 34556655). This variant is reported in 0.0015% of alleles in individuals of European (Non-Finnish) descent in gnomAD. At this time, the clinical significance of this variant is uncertain due to the absence of conclusive functional and genetic evidence.

Labcorp Genetics (formerly Invitae), Labcorp
Classification: Uncertain significance for Early-infantile DEE. Last evaluated: 2024-02-19. Review status: criteria provided, single submitter. Criteria: Invitae Variant Classification Sherloc (09022015). Collection method: clinical testing. Allele origin: germline.
Comment: This sequence change replaces valine, which is neutral and non-polar, with methionine, which is neutral and non-polar, at codon 1202 of the SPTAN1 protein (p.Val1202Met). This variant is present in population databases (no rsID available, gnomAD 0.002%). This missense change has been observed in individual(s) with SPTAN1-related conditions (PMID: 34556655). In at least one individual the variant was observed to be de novo. ClinVar contains an entry for this variant (Variation ID: 461221). Advanced modeling of protein sequence and biophysical properties (such as structural, functional, and spatial information, amino acid conservation, physicochemical variation, residue mobility, and thermodynamic stability) has been performed at Invitae for this missense variant, however the output from this modeling did not meet the statistical confidence thresholds required to predict the impact of this variant on SPTAN1 protein function. In summary, the available evidence is currently insufficient to determine the role of this variant in disease. Therefore, it has been classified as a Variant of Uncertain Significance.

CeGaT Center for Human Genetics Tuebingen
Classification: Uncertain significance. Last evaluated: 2023-01-01. Review status: criteria provided, single submitter. Criteria: CeGaT Center For Human Genetics Tuebingen Variant Classification Criteria Version 2. Collection method: clinical testing. Allele origin: germline. Affected: yes. Observed: 1 variant allele.
Comment: SPTAN1: PP2

Literature cited by the submitters: PubMed 34556655 (cited by Labcorp Genetics (formerly Invitae), Labcorp).